The following is an entry in ClinVar:

NM_004612.4(TGFBR1):c.1131-3dup

Gene: TGFBR1 (transforming growth factor beta receptor 1; plus strand). Cytogenetic location: 9q22.33.
Variant type: Duplication.
Coding change: c.1131-3dup on transcript NM_004612.4 (MANE Select); 3 bases into the intron before coding-DNA position 1131, one base duplicated (T; older notation c.1131-3dupT).
Molecular consequence: intron variant.
Genome position (GRCh38, 1-based): chr9:99,146,482, T duplicated; the last of 8 consecutive T bases (chr9:99,146,475-99,146,482); duplicating any one gives the same sequence. VCF-style (leftmost placement, unchanged base first): chr9-99146474-A-AT. GRCh37 (hg19) VCF-style: chr9-101908756-A-AT.
Other names: c.1131-3dupT (NM_004612.2); c.1143-3dup (NM_001306210.2); c.900-3dup (NM_001130916.3).
Identifiers: ClinVar variation 2136637 (VCV002136637.6), dbSNP rs747755454, ClinGen allele CA044047.

ClinVar aggregate classification (germline): Conflicting classifications of pathogenicity. Review status: criteria provided, conflicting classifications (1 of 4 stars). 3 submissions from 3 submitters: Uncertain significance (1); Benign (1); Likely benign (1). Last evaluated 2026-03-07.

Conditions:
Loeys-Dietz syndrome (LDS). Identifiers: Orphanet 60030, MedGen C2697932, MONDO:0018954.
Familial thoracic aortic aneurysm and aortic dissection (TAAD). Also called: Thoracic aortic aneurysms and dissections. Identifiers: Orphanet 91387, MedGen C4707243, MONDO:0019625.

Submissions (3):

Ambry Genetics
Classification: Uncertain significance for Familial thoracic aortic aneurysm and aortic dissection. Last evaluated: 2026-03-07. Review status: criteria provided, single submitter. Criteria: Ambry Variant Classification Scheme 2023. Collection method: clinical testing. Allele origin: germline.
Comment: The c.1131-3dupT intronic variant is located 3 nucleotide(s) before coding exon 7 of the TGFBR1 gene. This variant results from a duplication of one nucleotide at position c.1131-3. This variant was reported in individual(s) with features consistent with thoracic aortic aneurysm and dissection (TAAD) (Arnaud P et al. Genet Med, 2019 Sep;21:2015-2024). This nucleotide position is not well conserved in available vertebrate species. In silico splice site analysis predicts that this alteration will not have any significant effect on splicing. Based on the available evidence, the clinical significance of this variant remains unclear.

Labcorp Genetics (formerly Invitae), Labcorp
Classification: Benign for Familial thoracic aortic aneurysm and aortic dissection. Last evaluated: 2025-03-13. Review status: criteria provided, single submitter. Criteria: Invitae Variant Classification Sherloc (09022015). Collection method: clinical testing. Allele origin: germline.

All of Us Research Program, National Institutes of Health
Classification: Likely benign for Loeys-Dietz syndrome. Last evaluated: 2023-10-06. Review status: criteria provided, single submitter. Criteria: ACMG Guidelines, 2015. Collection method: clinical testing. Allele origin: germline. Inheritance: Autosomal dominant inheritance. Observed: 1 variant allele, 1 heterozygote.
Comment: This study involves interpretation of variants in research participants for the purpose of population health screening. Participant phenotype was not available at the time of variant classification. Additional details can be found in publication PMID: 35346344, PMCID: PMC8962531

Literature cited by the submitters: PubMed 30739908 (cited by Ambry Genetics).